The following is an entry in ClinVar:

NM_000059.4(BRCA2):c.3858_3863del (p.Lys1286_Asn1287del)

Gene: BRCA2 (BRCA2 DNA repair associated; plus strand). Cytogenetic location: 13q13.1.
Variant type: Deletion.
Coding change: c.3858_3863del on transcript NM_000059.4 (MANE Select); coding-DNA positions 3858 to 3863, 6 bases deleted (AAATAA; older notation c.3858_3863delAAATAA).
Protein change: p.Lys1286_Asn1287del.
Molecular consequence: inframe deletion. On other transcripts: non-coding transcript variant (1), intron variant (2).
Genome position (GRCh38, 1-based): chr13:32,338,213-32,338,218, AAATAA deleted; deleting any 6 consecutive bases within chr13:32,338,211-32,338,218 gives the same sequence; the c. name uses the placement nearest the transcript's 3' end. VCF-style (leftmost placement, unchanged base first): chr13-32338210-AAAAAAT-A. GRCh37 (hg19) VCF-style: chr13-32912347-AAAAAAT-A.
Other names: c.3858_3863del, p.Lys1286_Asn1287del (NM_001406719.1, NM_001406720.1, NM_001432077.1); c.1909+4826_1909+4831del (NM_001406721.1); c.425-6345_425-6340del (NM_001406722.1).
Identifiers: ClinVar variation 4813431 (VCV004813431.1).

ClinVar aggregate classification (germline): Uncertain significance (1 of 4 stars; one submission).

Conditions:
Breast-ovarian cancer, familial, susceptibility to, 2 (BROVCA2). Also called: BRCA2 Hereditary Breast and Ovarian Cancer. Identifiers: Orphanet 145, MedGen C2675520, MONDO:0012933, OMIM 612555. Disease mechanism: loss of function.

Submission:

MVZ Praenatalmedizin und Genetik Nuernberg
Classification: Uncertain significance for Breast-ovarian cancer, familial, susceptibility to, 2. Last evaluated: 2023-07-06. Review status: criteria provided, single submitter. Criteria: ACMG Guidelines, 2015. Collection method: clinical testing. Allele origin: germline. Affected: yes.
Comment: This deletion of six nucleotides in exon 11 of the BRCA2 gene results in the loss of two amino acids, that are phylogenetically less conserved and are located between two protein domains. The deletion has not yet been described in the ClinVar database. There is also no entry in gnomAD. In silico analyses are generally not possible for deletions. A literature search did not yield any additional information. In summary this is a variant of uncertain clinical significance (VUS).